The following is an entry in ClinVar:

ClinVar aggregate classification (germline): Likely benign (1 of 4 stars; one submission).

Allele frequency attached by ClinVar (database versions not stated): TOPMed below 0.00001; gnomAD exomes 0.00001.
gnomAD v4.1: 15 of 1,613,660 alleles (0.00093%); highest among the groups gnomAD compares: Non-Finnish European, 0.0013%; no homozygotes.

Submission:

GeneDx
Classification: Likely benign. Last evaluated: 2017-03-02. Review status: criteria provided, single submitter. Criteria: GeneDx Variant Classification (06012015). Collection method: clinical testing. Allele origin: germline. Affected: yes.
Comment: This variant is considered likely benign or benign based on one or more of the following criteria: it is a conservative change, it occurs at a poorly conserved position in the protein, it is predicted to be benign by multiple in silico algorithms, and/or has population frequency not consistent with disease.

NM_001267550.2(TTN):c.14830A>G (p.Thr4944Ala)

Gene: TTN (titin; minus strand). Cytogenetic location: 2q31.2.
Variant type: single nucleotide variant.
Coding change: c.14830A>G on transcript NM_001267550.2 (MANE Select); coding-DNA position 14830, A replaced by G.
Protein change: p.Thr4944Ala; replaces threonine 4944 with alanine.
Molecular consequence: missense variant. On other transcripts: intron variant (3).
Genome position (GRCh38, 1-based): chr2:178,735,616, T>C on the plus strand (A>G on the coding strand, the complement: TTN is on the minus strand). VCF-style: chr2-178735616-T-C. GRCh37 (hg19) VCF-style: chr2-179600343-T-C.
Other names: c.13879A>G, p.Thr4627Ala (NM_001256850.1); c.11098A>G, p.Thr3700Ala (NM_133378.4); c.13282+2466A>G (NM_003319.4); c.13858+2466A>G (NM_133437.4); c.13657+2466A>G (NM_133432.3); short protein forms T4627A, T4944A, T3700A.
Identifiers: ClinVar variation 507842 (VCV000507842.1), dbSNP rs1479138931, ClinGen allele CA349596662.
Genomic context (GRCh38, chr2:178,735,616, plus strand): 5'-TTGAAGCTGTACAGACATAGGTTCCTGAATCTTTCAGTTTGGCCAAAGGAATCTCAAGTG[T>C]TGCTATTTTATCTTCAAAACAGATCTTATAATCTTTCCCTGGGGGGAGTTTTTGCCCATC-3'
Protein context (NP_001254479.2, residues 4934-4954): YKICFEDKIA[Thr4944Ala]LEIPLAKLKD